The following is an entry in ClinVar:

ClinVar aggregate classification (germline): Uncertain significance (1 of 4 stars; one submission).

Allele frequency attached by ClinVar (database versions not stated): gnomAD exomes below 0.00001; TOPMed below 0.00001; gnomAD 0.00001.
gnomAD v4.1: 4 of 1,612,198 alleles (0.00025%); highest among the groups gnomAD compares: East Asian, 0.0045%; no homozygotes.

Submission:

Labcorp Genetics (formerly Invitae), Labcorp
Classification: Uncertain significance. Last evaluated: 2021-09-01. Review status: criteria provided, single submitter. Criteria: Invitae Variant Classification Sherloc (09022015). Collection method: clinical testing. Allele origin: germline.
Comment: This sequence change replaces arginine with cysteine at codon 1025 of the ATR protein (p.Arg1025Cys). The arginine residue is moderately conserved and there is a large physicochemical difference between arginine and cysteine. This variant is not present in population databases (ExAC no frequency). This variant has not been reported in the literature in individuals affected with ATR-related conditions. Algorithms developed to predict the effect of missense changes on protein structure and function are either unavailable or do not agree on the potential impact of this missense change (SIFT: "Deleterious"; PolyPhen-2: "Benign"; Align-GVGD: "Class C0"). In summary, the available evidence is currently insufficient to determine the role of this variant in disease. Therefore, it has been classified as a Variant of Uncertain Significance.

NM_001184.4(ATR):c.3073C>T (p.Arg1025Cys)

Gene: ATR (ATR checkpoint kinase; minus strand). Cytogenetic location: 3q23.
Variant type: single nucleotide variant.
Coding change: c.3073C>T on transcript NM_001184.4 (MANE Select); coding-DNA position 3073, C replaced by T.
Protein change: p.Arg1025Cys; replaces arginine 1025 with cysteine.
Molecular consequence: missense variant.
Genome position (GRCh38, 1-based): chr3:142,549,577, G>A on the plus strand (C>T on the coding strand, the complement: ATR is on the minus strand). VCF-style: chr3-142549577-G-A. GRCh37 (hg19) VCF-style: chr3-142268419-G-A.
Other names: c.2881C>T, p.Arg961Cys (NM_001354579.2); short protein forms R961C, R1025C.
Identifiers: ClinVar variation 1516664 (VCV001516664.5), dbSNP rs980426116, ClinGen allele CA84743186.
Genomic context (GRCh38, chr3:142,549,577, plus strand): 5'-AACAAGAACAGACCAAATGAGAAAAAATATATTTGAAGTTGTTTATTAAAATCTCTCTAC[G>A]ATTGACATTTAATTGTTTTCCTAAAGTTCGAATGAGAGCAGAAGCTGCAGGGCTTGCTTT-3'
Protein context (NP_001175.2, residues 1015-1035): RTLGKQLNVN[Arg1025Cys]REILINNFKY